The following is an entry in ClinVar:

NM_020831.6(MRTFA):c.3034C>G (p.Leu1012Val)

Gene: MRTFA (myocardin related transcription factor A; minus strand). Cytogenetic location: 22q13.1.
Variant type: single nucleotide variant.
Coding change: c.3034C>G on transcript NM_020831.6 (MANE Select); coding-DNA position 3034, C replaced by G.
Protein change: p.Leu1012Val; replaces leucine 1012 with valine.
Molecular consequence: missense variant. On other transcripts: 3 prime UTR variant (1).
Genome position (GRCh38, 1-based): chr22:40,411,452, G>C on the plus strand (C>G on the coding strand, the complement: MRTFA is on the minus strand). VCF-style: chr22-40411452-G-C. GRCh37 (hg19) VCF-style: chr22-40807456-G-C.
Other names: c.2734C>G, p.Leu912Val (NM_001282660.2); c.2884C>G, p.Leu962Val (NM_001282661.3); c.*347C>G (NM_001282662.3); c.2839C>G, p.Leu947Val (NM_001318139.2); short protein forms L1012V, L912V, L947V, L962V.
Identifiers: ClinVar variation 1682912 (VCV001682912.8), dbSNP rs781098796, ClinGen allele CA10249167.

ClinVar aggregate classification (germline): Uncertain significance (1 of 4 stars; one submission).

Allele frequency attached by ClinVar (database versions not stated): gnomAD exomes 0.00001; ExAC 0.00002.
gnomAD v4.1: 10 of 1,597,882 alleles (0.00063%); highest among the groups gnomAD compares: Admixed American, 0.013%; no homozygotes.

Submission:

Labcorp Genetics (formerly Invitae), Labcorp
Classification: Uncertain significance. Last evaluated: 2025-12-21. Review status: criteria provided, single submitter. Criteria: Invitae Variant Classification Sherloc (09022015). Collection method: clinical testing. Allele origin: germline.
Comment: This sequence change replaces leucine, which is neutral and non-polar, with valine, which is neutral and non-polar, at codon 912 of the MKL1 protein (p.Leu912Val). This variant is present in population databases (rs781098796, gnomAD 0.006%). This variant has not been reported in the literature in individuals affected with MKL1-related conditions. ClinVar contains an entry for this variant (Variation ID: 1682912). An algorithm developed to predict the effect of missense changes on protein structure and function (PolyPhen-2) suggests that this variant is likely to be disruptive. In summary, the available evidence is currently insufficient to determine the role of this variant in disease. Therefore, it has been classified as a Variant of Uncertain Significance.